The following is an entry in ClinVar:

NM_004551.3(NDUFS3):c.734A>G (p.Tyr245Cys)

Gene: NDUFS3 (NADH:ubiquinone oxidoreductase core subunit S3; plus strand). Cytogenetic location: 11p11.2.
Variant type: single nucleotide variant.
Coding change: c.734A>G on transcript NM_004551.3 (MANE Select); coding-DNA position 734, A replaced by G.
Protein change: p.Tyr245Cys; replaces tyrosine 245 with cysteine.
Molecular consequence: missense variant.
Genome position (GRCh38, 1-based): chr11:47,584,420, A>G. VCF-style: chr11-47584420-A-G. GRCh37 (hg19) VCF-style: chr11-47605972-A-G.
Other names: short protein forms Y245C.
Identifiers: ClinVar variation 1399192 (VCV001399192.8), dbSNP rs765380548, ClinGen allele CA5978085.

ClinVar aggregate classification (germline): Uncertain significance (1 of 4 stars; one submission).

Allele frequency attached by ClinVar (database versions not stated): gnomAD exomes below 0.00001 and 0.00001; TOPMed 0.00001; ExAC 0.00002.
gnomAD v4.1: 7 of 1,614,112 alleles (0.00043%); highest among the groups gnomAD compares: African/African-American, 0.0013%; no homozygotes.

Submission:

Labcorp Genetics (formerly Invitae), Labcorp
Classification: Uncertain significance. Last evaluated: 2024-09-06. Review status: criteria provided, single submitter. Criteria: Invitae Variant Classification Sherloc (09022015). Collection method: clinical testing. Allele origin: germline.
Comment: This sequence change replaces tyrosine, which is neutral and polar, with cysteine, which is neutral and slightly polar, at codon 245 of the NDUFS3 protein (p.Tyr245Cys). This variant is present in population databases (rs765380548, gnomAD 0.003%). This variant has not been reported in the literature in individuals affected with NDUFS3-related conditions. ClinVar contains an entry for this variant (Variation ID: 1399192). An algorithm developed to predict the effect of missense changes on protein structure and function (PolyPhen-2) suggests that this variant is likely to be disruptive. In summary, the available evidence is currently insufficient to determine the role of this variant in disease. Therefore, it has been classified as a Variant of Uncertain Significance.